The following is an entry in ClinVar:

NM_033337.3(CAV3):c.115-89G>T

Genes: CAV3 (caveolin 3; plus strand), OXTR (oxytocin receptor; minus strand). Cytogenetic location: 3p25.3.
Variant type: single nucleotide variant.
Coding change: c.115-89G>T on transcript NM_033337.3 (MANE Select); 89 bases into the intron before coding-DNA position 115, G replaced by T.
Molecular consequence: intron variant.
Genome position (GRCh38, 1-based): chr3:8,745,437, G>T. VCF-style: chr3-8745437-G-T. GRCh37 (hg19) VCF-style: chr3-8787123-G-T.
Other names: c.115-89G>T (NM_001234.5).
Identifiers: ClinVar variation 31725 (VCV000031725.5), dbSNP rs13060135, ClinGen allele CA215177.

ClinVar aggregate classification (germline): Benign. Review status: criteria provided, multiple submitters, no conflicts (2 of 4 stars). 3 submissions from 3 submitters: Benign (2). 1 of the submissions does not count toward it. Last evaluated 2018-06-16.

Allele frequency attached by ClinVar (database versions not stated): gnomAD 0.09164 and 0.08924; TOPMed 0.08439; 1000 Genomes Project 0.04613; 1000 Genomes Project 30x 0.04638; gnomAD exomes 0.12366.
gnomAD v4.1: 117,288 of 996,752 alleles (12%); highest among the groups gnomAD compares: Non-Finnish European, 15%; 8,360 homozygotes.

Submissions (3):

GeneDx
Classification: Benign. Last evaluated: 2018-06-16. Review status: criteria provided, single submitter. Criteria: GeneDx Variant Classification (06012015). Collection method: clinical testing. Allele origin: germline. Affected: yes.
Comment: This variant is considered likely benign or benign based on one or more of the following criteria: it is a conservative change, it occurs at a poorly conserved position in the protein, it is predicted to be benign by multiple in silico algorithms, and/or has population frequency not consistent with disease.

Breakthrough Genomics
Classification: Benign. Review status: criteria provided, single submitter. Criteria: ACMG Guidelines, 2015. Collection method: not provided. Allele origin: germline. Inheritance: Autosomal dominant inheritance. Affected: yes.

Leiden Muscular Dystrophy (CAV3)
No classification provided. Last evaluated: 2012-04-15. Review status: no classification provided. Collection method: curation. Allele origin: germline. Not counted in ClinVar's aggregate classification.